The following is an entry in ClinVar:

ClinVar aggregate classification (germline): Uncertain significance (1 of 4 stars; one submission).

Conditions:
Joubert syndrome. Also called: CEREBELLOPARENCHYMAL DISORDER IV; JOUBERT-BOLTSHAUSER SYNDROME; Familial aplasia of the vermis. Identifiers: Orphanet 475, MedGen C5979921, MONDO:0018772.
Meckel-Gruber syndrome. Also called: DYSENCEPHALIA SPLANCHNOCYSTICA; GRUBER SYNDROME; Dysencephalia splachnocystica. Identifiers: Orphanet 564, MedGen C0265215, MONDO:0018921.

Allele frequency attached by ClinVar (database versions not stated): gnomAD exomes below 0.00001; ExAC 0.00001; TOPMed 0.00003.
gnomAD v4.1: 5 of 1,608,414 alleles (0.00031%); highest among the groups gnomAD compares: East Asian, 0.011%; no homozygotes.

Submission:

Labcorp Genetics (formerly Invitae), Labcorp
Classification: Uncertain significance for Joubert syndrome; Meckel-Gruber syndrome. Last evaluated: 2022-08-09. Review status: criteria provided, single submitter. Criteria: Invitae Variant Classification Sherloc (09022015). Collection method: clinical testing. Allele origin: germline.
Comment: This sequence change replaces glutamic acid, which is acidic and polar, with aspartic acid, which is acidic and polar, at codon 203 of the RPGRIP1L protein (p.Glu203Asp). This variant is present in population databases (rs775203325, gnomAD 0.01%). This variant has not been reported in the literature in individuals affected with RPGRIP1L-related conditions. Algorithms developed to predict the effect of missense changes on protein structure and function (SIFT, PolyPhen-2, Align-GVGD) all suggest that this variant is likely to be tolerated. In summary, the available evidence is currently insufficient to determine the role of this variant in disease. Therefore, it has been classified as a Variant of Uncertain Significance.

NM_015272.5(RPGRIP1L):c.609A>C (p.Glu203Asp)

Gene: RPGRIP1L (RPGRIP1 like; minus strand). Cytogenetic location: 16q12.2.
Variant type: single nucleotide variant.
Coding change: c.609A>C on transcript NM_015272.5 (MANE Select); coding-DNA position 609, A replaced by C.
Protein change: p.Glu203Asp; replaces glutamic acid 203 with aspartic acid.
Molecular consequence: missense variant.
Genome position (GRCh38, 1-based): chr16:53,687,886, T>G on the plus strand (A>C on the coding strand, the complement: RPGRIP1L is on the minus strand). VCF-style: chr16-53687886-T-G. GRCh37 (hg19) VCF-style: chr16-53721798-T-G.
Other names: c.609A>C, p.Glu203Asp (NM_001127897.4, NM_001308334.3, NM_001330538.2); short protein forms E203D.
Identifiers: ClinVar variation 2044333 (VCV002044333.1), dbSNP rs775203325, ClinGen allele CA8058079.